The following is an entry in ClinVar:

ClinVar aggregate classification (germline): Uncertain significance (1 of 4 stars; one submission).

Conditions:
POLD1-related polyposis and colorectal cancer syndrome (CRCS10). Also called: Colorectal cancer 10; COLORECTAL CANCER, SUSCEPTIBILITY TO, ON CHROMOSOME 19q; Colorectal cancer, susceptibility to, 10. Identifiers: Orphanet 220460, MedGen C2675481, MONDO:0012953, OMIM 612591.

Allele frequency attached by ClinVar (database versions not stated): gnomAD exomes below 0.00001.
gnomAD v4.1: 1 of 1,599,516 alleles (0.000063%); highest among the groups gnomAD compares: East Asian, 0.0023%; no homozygotes.

Submission:

Labcorp Genetics (formerly Invitae), Labcorp
Classification: Uncertain significance for POLD1-related polyposis and colorectal cancer syndrome. Last evaluated: 2023-05-03. Review status: criteria provided, single submitter. Criteria: Invitae Variant Classification Sherloc (09022015). Collection method: clinical testing. Allele origin: germline.
Comment: This sequence change replaces alanine, which is neutral and non-polar, with valine, which is neutral and non-polar, at codon 476 of the POLD1 protein (p.Ala476Val). This variant is not present in population databases (gnomAD no frequency). This variant has not been reported in the literature in individuals affected with POLD1-related conditions. Advanced modeling of protein sequence and biophysical properties (such as structural, functional, and spatial information, amino acid conservation, physicochemical variation, residue mobility, and thermodynamic stability) performed at Invitae indicates that this missense variant is expected to disrupt POLD1 protein function. In summary, the available evidence is currently insufficient to determine the role of this variant in disease. Therefore, it has been classified as a Variant of Uncertain Significance.

NM_002691.4(POLD1):c.1427C>T (p.Ala476Val)

Gene: POLD1 (DNA polymerase delta 1, catalytic subunit; plus strand). Cytogenetic location: 19q13.33.
Variant type: single nucleotide variant.
Coding change: c.1427C>T on transcript NM_002691.4 (MANE Select); coding-DNA position 1427, C replaced by T.
Protein change: p.Ala476Val; replaces alanine 476 with valine.
Molecular consequence: missense variant. On other transcripts: non-coding transcript variant (1).
Genome position (GRCh38, 1-based): chr19:50,406,450, C>T. VCF-style: chr19-50406450-C-T. GRCh37 (hg19) VCF-style: chr19-50909707-C-T.
Other names: c.1427C>T, p.Ala476Val (NM_001256849.1, NM_001308632.1); short protein forms A476V.
Identifiers: ClinVar variation 2861849 (VCV002861849.3), dbSNP rs2513994833, ClinGen allele CA406980140.